The following is an entry in ClinVar:

NM_002880.4(RAF1):c.412A>G (p.Thr138Ala)

Gene: RAF1 (Raf-1 proto-oncogene, serine/threonine kinase; minus strand). Cytogenetic location: 3p25.2.
Variant type: single nucleotide variant.
Coding change: c.412A>G on transcript NM_002880.4 (MANE Select); coding-DNA position 412, A replaced by G.
Protein change: p.Thr138Ala; replaces threonine 138 with alanine.
Molecular consequence: missense variant. On other transcripts: non-coding transcript variant (3).
Genome position (GRCh38, 1-based): chr3:12,609,244, T>C on the plus strand (A>G on the coding strand, the complement: RAF1 is on the minus strand). VCF-style: chr3-12609244-T-C. GRCh37 (hg19) VCF-style: chr3-12650743-T-C.
Other names: c.412A>G, p.Thr138Ala (NM_001354689.3, NM_001354690.3, NM_001354693.3); c.169A>G, p.Thr57Ala (NM_001354691.3, NM_001354692.3, NM_001354694.3 and 1 more transcripts); short protein forms T138A, T57A.
Identifiers: ClinVar variation 1738065 (VCV001738065.4), dbSNP rs1559434089, ClinGen allele CA351518157.

ClinVar aggregate classification (germline): Uncertain significance. Review status: criteria provided, single submitter (1 of 4 stars). 2 submissions from 2 submitters: Uncertain significance (1). 1 of the submissions does not count toward it. Last evaluated 2022-04-21.

Conditions:
RAF1-related disorder. Also called: RAF1-related disorders; RAF1-related condition.
Cardiovascular phenotype. Identifiers: MedGen CN230736.

Allele frequency attached by ClinVar (database versions not stated): gnomAD exomes below 0.00001.
gnomAD v4.1: 1 of 1,608,662 alleles (0.000062%); highest among the groups gnomAD compares: Non-Finnish European, 0.000085%; no homozygotes.

Submissions (2):

Ambry Genetics
Classification: Uncertain significance for Cardiovascular phenotype. Last evaluated: 2022-04-21. Review status: criteria provided, single submitter. Criteria: Ambry Variant Classification Scheme 2023. Collection method: clinical testing. Allele origin: germline.
Comment: The p.T138A variant (also known as c.412A>G), located in coding exon 3 of the RAF1 gene, results from an A to G substitution at nucleotide position 412. The threonine at codon 138 is replaced by alanine, an amino acid with similar properties. This amino acid position is conserved. In addition, the in silico prediction for this alteration is inconclusive. Since supporting evidence is limited at this time, the clinical significance of this alteration remains unclear.

PreventionGenetics, part of Exact Sciences
Classification: Uncertain significance for RAF1-related condition. Last evaluated: 2023-12-11. Review status: no assertion criteria provided. Collection method: clinical testing. Allele origin: germline. Not counted in ClinVar's aggregate classification.
Comment: The RAF1 c.412A>G variant is predicted to result in the amino acid substitution p.Thr138Ala. To our knowledge, this variant has not been reported in the literature or in a large population database, indicating this variant is rare. At this time, the clinical significance of this variant is uncertain due to the absence of conclusive functional and genetic evidence.